The following is an entry in ClinVar:

NC_012920.1(MT-TD):m.7582C>T

Gene: MT-TD (mitochondrially encoded tRNA aspartic acid; plus strand).
Variant type: single nucleotide variant.
Genome position: chrM-7582-C-T.
Identifiers: ClinVar variation 690060 (VCV000690060.1), dbSNP rs1603221026, ClinGen allele CA913177481.
Genomic context (GRCh38, chrMT:7,582, plus strand): 5'-TATTAGAAAAACCATTTCATAACTTTGTCAAAGTTAAATTATAGGCTAAATCCTATATAT[C>T]TTAATGGCACATGCAGCGCAAGTAGGTCTACAAGACGCTACTTCCCCTATCATAGAAGAG-3'

ClinVar aggregate classification (germline): Uncertain significance (1 of 4 stars; one submission).

Conditions:
MELAS syndrome (MELAS). Also called: Juvenile myopathy, encephalopathy, lactic acidosis, stroke. Identifiers: Orphanet 550, MedGen C0162671, MONDO:0010789, OMIM 540000.

Submission:

Wong Mito Lab, Molecular and Human Genetics, Baylor College of Medicine
Classification: Uncertain significance for MELAS syndrome. Last evaluated: 2019-07-12. Review status: criteria provided, single submitter. Criteria: Modified ACMG Guidelines (Unpublished). Collection method: clinical testing. Allele origin: germline.
Comment: The NC_012920.1:m.7582C>T variant in MT-TD gene is interpreted to be a Unknown Significance variant based on the modified ACMG guidelines (unpublished). This variant meets the following evidence codes reported in the guidelines: PM10, PP3, PP6, PP7

Literature cited by the submitters: PubMed 31965079.